The following is an entry in ClinVar:

NM_001035.3(RYR2):c.5335A>C (p.Ser1779Arg)

Gene: RYR2 (ryanodine receptor 2; plus strand). Cytogenetic location: 1q43.
Variant type: single nucleotide variant.
Coding change: c.5335A>C on transcript NM_001035.3 (MANE Select); coding-DNA position 5335, A replaced by C.
Protein change: p.Ser1779Arg; replaces serine 1779 with arginine.
Molecular consequence: missense variant.
Genome position (GRCh38, 1-based): chr1:237,614,463, A>C. VCF-style: chr1-237614463-A-C. GRCh37 (hg19) VCF-style: chr1-237777763-A-C.
Other names: short protein forms S1779R.
Identifiers: ClinVar variation 1746894 (VCV001746894.2), dbSNP rs2546794292, ClinGen allele CA345404811.

ClinVar aggregate classification (germline): Uncertain significance (1 of 4 stars; one submission).

Conditions:
Cardiovascular phenotype. Identifiers: MedGen CN230736.

Allele frequency attached by ClinVar (database versions not stated): gnomAD exomes below 0.00001.
gnomAD v4.1: 1 of 1,614,082 alleles (0.000062%); highest among the groups gnomAD compares: Non-Finnish European, 0.000085%; no homozygotes.

Submission:

Ambry Genetics
Classification: Uncertain significance for Cardiovascular phenotype. Last evaluated: 2021-08-20. Review status: criteria provided, single submitter. Criteria: Ambry Variant Classification Scheme 2023. Collection method: clinical testing. Allele origin: germline.
Comment: The p.S1779R variant (also known as c.5335A>C), located in coding exon 37 of the RYR2 gene, results from an A to C substitution at nucleotide position 5335. The serine at codon 1779 is replaced by arginine, an amino acid with dissimilar properties. This amino acid position is highly conserved in available vertebrate species. In addition, the in silico prediction for this alteration is inconclusive. Since supporting evidence is limited at this time, the clinical significance of this alteration remains unclear.